The following is an entry in ClinVar:

NM_017875.4(SLC25A38):c.581del (p.Ile194fs)

Gene: SLC25A38 (solute carrier family 25 member 38; plus strand). Cytogenetic location: 3p22.1.
Variant type: Deletion.
Coding change: c.581del on transcript NM_017875.4 (MANE Select); coding-DNA position 581, one base deleted (T; older notation c.581delT).
Protein change: p.Ile194fs; shifts the reading frame from isoleucine 194.
Molecular consequence: frameshift variant.
Genome position (GRCh38, 1-based): chr3:39,391,977, T deleted. VCF-style (leftmost placement, unchanged base first): chr3-39391976-AT-A. GRCh37 (hg19) VCF-style: chr3-39433467-AT-A.
Other names: c.581del, p.Ile194fs (NM_001354798.2); short protein forms I194fs.
Identifiers: ClinVar variation 4734126 (VCV004734126.1).

ClinVar aggregate classification (germline): Pathogenic (1 of 4 stars; one submission).

Submission:

Labcorp Genetics (formerly Invitae), Labcorp
Classification: Pathogenic. Last evaluated: 2025-12-24. Review status: criteria provided, single submitter. Criteria: Invitae Variant Classification Sherloc (09022015). Collection method: clinical testing. Allele origin: germline.
Comment: This sequence change creates a premature translational stop signal (p.Ile194Thrfs*3) in the SLC25A38 gene. It is expected to result in an absent or disrupted protein product. Loss-of-function variants in SLC25A38 are known to be pathogenic (PMID: 19412178, 25985931). This variant is not present in population databases (gnomAD no frequency). This variant has not been reported in the literature in individuals affected with SLC25A38-related conditions. Algorithms developed to predict the effect of sequence changes on RNA splicing suggest that this variant may disrupt the consensus splice site. For these reasons, this variant has been classified as Pathogenic.

Literature cited by the submitters: PubMed 19412178; PubMed 25985931.